The following is an entry in ClinVar:

ClinVar aggregate classification (germline): Pathogenic. Review status: criteria provided, multiple submitters, no conflicts (2 of 4 stars). 2 submissions from 2 submitters: Pathogenic (2). Last evaluated 2024-05-31.

Conditions:
Neurofibromatosis, type 2 (SWNV). Also called: SCHWANNOMATOSIS, VESTIBULAR; NF2-Related Schwannomatosis; BILATERAL ACOUSTIC NEUROFIBROMATOSIS. Identifiers: Orphanet 637, MedGen C0027832, MONDO:0007039, OMIM 101000. Disease mechanism: loss of function.

Submissions (2):

Institute for Genomic Medicine (IGM) Clinical Laboratory, Nationwide Children's Hospital
Classification: Pathogenic for Neurofibromatosis, type 2. Last evaluated: 2024-05-31. Review status: criteria provided, single submitter. Criteria: ACMG Guidelines, 2015. Collection method: clinical testing. Allele origin: germline.
Comment: This variant is predicted to result in loss of function through nonsense-mediated decay of the encoded transcript or premature truncation of the encoded protein in a gene in which loss of function is a known mechanism of disease (ACMG/AMP: PVS1; PMIDs:7913580, 16983642). This variant has been reported at an elevated frequency in affected individuals/in multiple affected individuals in the literature (ACMG/AMP: PS4_Supporting; PMIDs:15684865, 18033041). This variant is absent from or present at an exceedingly low frequency in gnomAD, a large-scale control population database (ACMG/AMP: PM2).

Labcorp Genetics (formerly Invitae), Labcorp
Classification: Pathogenic for Neurofibromatosis, type 2. Last evaluated: 2024-03-30. Review status: criteria provided, single submitter. Criteria: Invitae Variant Classification Sherloc (09022015). Collection method: clinical testing. Allele origin: germline.
Comment: This sequence change creates a premature translational stop signal (p.Tyr144*) in the NF2 gene. It is expected to result in an absent or disrupted protein product. Loss-of-function variants in NF2 are known to be pathogenic (PMID: 9643284, 16983642). This variant is not present in population databases (gnomAD no frequency). This premature translational stop signal has been observed in individual(s) with NF2-associated tumors (PMID: 18033041). ClinVar contains an entry for this variant (Variation ID: 412201). For these reasons, this variant has been classified as Pathogenic.

Literature cited by the submitters: PubMed 7913580 (cited by Institute for Genomic Medicine (IGM) Clinical Laboratory, Nationwide Children's Hospital); PubMed 16983642 (cited by Institute for Genomic Medicine (IGM) Clinical Laboratory, Nationwide Children's Hospital and Labcorp Genetics (formerly Invitae), Labcorp); PubMed 15684865 (cited by Institute for Genomic Medicine (IGM) Clinical Laboratory, Nationwide Children's Hospital); PubMed 18033041 (cited by Institute for Genomic Medicine (IGM) Clinical Laboratory, Nationwide Children's Hospital and Labcorp Genetics (formerly Invitae), Labcorp); PubMed 9643284 (cited by Labcorp Genetics (formerly Invitae), Labcorp).

NM_000268.4(NF2):c.432C>G (p.Tyr144Ter)

Gene: NF2 (NF2, moesin-ezrin-radixin like (MERLIN) tumor suppressor; plus strand). Cytogenetic location: 22q12.2.
Variant type: single nucleotide variant.
Coding change: c.432C>G on transcript NM_000268.4 (MANE Select); coding-DNA position 432, C replaced by G.
Protein change: p.Tyr144Ter; replaces tyrosine 144 with a stop codon.
Molecular consequence: nonsense. On other transcripts: non-coding transcript variant (1).
Genome position (GRCh38, 1-based): chr22:29,642,270, C>G. VCF-style: chr22-29642270-C-G. GRCh37 (hg19) VCF-style: chr22-30038259-C-G.
Other names: c.432C>G, p.Tyr144Ter (NM_016418.5, NM_181825.3, NM_181832.3 and 1 more transcripts); c.306C>G, p.Tyr102Ter (NM_181828.3); c.309C>G, p.Tyr103Ter (NM_181829.3); c.183C>G, p.Tyr61Ter (NM_181830.3, NM_181831.3); short protein forms Y144*, Y102*, Y61*, Y103*.
Identifiers: ClinVar variation 412201 (VCV000412201.7), dbSNP rs1060503667, ClinGen allele CA16616357.